The following is an entry in ClinVar:

ClinVar aggregate classification (germline): Uncertain significance (1 of 4 stars; one submission).

Conditions:
Oculofaciocardiodental syndrome (MCOPS2). Identifiers: Orphanet 2712, MedGen C1846265, MONDO:0010261, OMIM 300166.

Allele frequency attached by ClinVar (database versions not stated): gnomAD exomes 0.00001; ExAC 0.00005.
gnomAD v4.1: 3 of 1,211,548 alleles (0.00025%); highest among the groups gnomAD compares: Admixed American, 0.0065%; no homozygotes.

Submission:

Labcorp Genetics (formerly Invitae), Labcorp
Classification: Uncertain significance for Oculofaciocardiodental syndrome. Last evaluated: 2024-06-20. Review status: criteria provided, single submitter. Criteria: Invitae Variant Classification Sherloc (09022015). Collection method: clinical testing. Allele origin: germline.
Comment: This sequence change replaces aspartic acid, which is acidic and polar, with glutamic acid, which is acidic and polar, at codon 807 of the BCOR protein (p.Asp807Glu). This variant is present in population databases (rs777466177, gnomAD 0.02%). This variant has not been reported in the literature in individuals affected with BCOR-related conditions. An algorithm developed to predict the effect of missense changes on protein structure and function (PolyPhen-2) suggests that this variant is likely to be tolerated. In summary, the available evidence is currently insufficient to determine the role of this variant in disease. Therefore, it has been classified as a Variant of Uncertain Significance.

NM_001123385.2(BCOR):c.2421C>A (p.Asp807Glu)

Gene: BCOR (BCL6 corepressor; minus strand). Cytogenetic location: Xp11.4.
Variant type: single nucleotide variant.
Coding change: c.2421C>A on transcript NM_001123385.2 (MANE Select); coding-DNA position 2421, C replaced by A.
Protein change: p.Asp807Glu; replaces aspartic acid 807 with glutamic acid.
Molecular consequence: missense variant.
Genome position (GRCh38, 1-based): chrX:40,072,925, G>T on the plus strand (C>A on the coding strand, the complement: BCOR is on the minus strand). VCF-style: chrX-40072925-G-T. GRCh37 (hg19) VCF-style: chrX-39932178-G-T.
Other names: c.2421C>A, p.Asp807Glu (NM_001123383.2, NM_001123384.2, NM_017745.6); short protein forms D807E.
Identifiers: ClinVar variation 2721796 (VCV002721796.3), dbSNP rs777466177, ClinGen allele CA10386791.